The following is an entry in ClinVar:

ClinVar aggregate classification (germline): Uncertain significance (1 of 4 stars; one submission).

Allele frequency attached by ClinVar (database versions not stated): TOPMed 0.00001; ExAC 0.00002; gnomAD 0.00002; gnomAD exomes 0.00003; 1000 Genomes Project 0.00020; 1000 Genomes Project 30x 0.00031.
gnomAD v4.1: 43 of 1,614,152 alleles (0.0027%); highest among the groups gnomAD compares: Non-Finnish European, 0.0032%; no homozygotes.

Submission:

Labcorp Genetics (formerly Invitae), Labcorp
Classification: Uncertain significance. Last evaluated: 2024-07-14. Review status: criteria provided, single submitter. Criteria: Invitae Variant Classification Sherloc (09022015). Collection method: clinical testing. Allele origin: germline.
Comment: This sequence change replaces arginine, which is basic and polar, with histidine, which is basic and polar, at codon 677 of the TFRC protein (p.Arg677His). This variant is present in population databases (rs41298067, gnomAD 0.008%). This variant has not been reported in the literature in individuals affected with TFRC-related conditions. ClinVar contains an entry for this variant (Variation ID: 1940772). Advanced modeling of protein sequence and biophysical properties (such as structural, functional, and spatial information, amino acid conservation, physicochemical variation, residue mobility, and thermodynamic stability) performed at Invitae indicates that this missense variant is expected to disrupt TFRC protein function with a positive predictive value of 80%. In summary, the available evidence is currently insufficient to determine the role of this variant in disease. Therefore, it has been classified as a Variant of Uncertain Significance.

NM_001128148.3(TFRC):c.2030G>A (p.Arg677His)

Gene: TFRC (transferrin receptor; minus strand). Cytogenetic location: 3q29.
Variant type: single nucleotide variant.
Coding change: c.2030G>A on transcript NM_001128148.3 (MANE Select); coding-DNA position 2030, G replaced by A.
Protein change: p.Arg677His; replaces arginine 677 with histidine.
Molecular consequence: missense variant.
Genome position (GRCh38, 1-based): chr3:196,053,428, C>T on the plus strand (G>A on the coding strand, the complement: TFRC is on the minus strand). VCF-style: chr3-196053428-C-T. GRCh37 (hg19) VCF-style: chr3-195780299-C-T.
Other names: c.1787G>A, p.Arg596His (NM_001313965.2); c.1184G>A, p.Arg395His (NM_001313966.2); c.2030G>A, p.Arg677His (NM_003234.4); short protein forms R596H, R677H, R395H.
Identifiers: ClinVar variation 1940772 (VCV001940772.5), dbSNP rs41298067, ClinGen allele CA2777740.